The following is an entry in ClinVar:

NM_000392.5(ABCC2):c.2813G>A (p.Ser938Asn)

Genes: ABCC2 (ATP binding cassette subfamily C member 2; plus strand), LOC126861012 (BRD4-independent group 4 enhancer GRCh37_chr10:101589748-101590947; plus strand). Cytogenetic location: 10q24.2.
Variant type: single nucleotide variant.
Coding change: c.2813G>A on transcript NM_000392.5 (MANE Select); coding-DNA position 2813, G replaced by A.
Protein change: p.Ser938Asn; replaces serine 938 with asparagine.
Molecular consequence: missense variant.
Genome position (GRCh38, 1-based): chr10:99,830,781, G>A. VCF-style: chr10-99830781-G-A. GRCh37 (hg19) VCF-style: chr10-101590538-G-A.
Other names: p.Ser938Asn; c.2813G>A, p.Ser938Asn (LRG_1208t1); short protein forms S938N.
Identifiers: ClinVar variation 282331 (VCV000282331.59), dbSNP rs112339372, ClinGen allele CA5643614.

ClinVar aggregate classification (germline): Likely benign. Review status: criteria provided, multiple submitters, no conflicts (2 of 4 stars). 6 submissions from 6 submitters: Likely benign (5). 1 of the submissions does not count toward it. Last evaluated 2025-12-04.

Conditions:
ABCC2-related disorder. Also called: ABCC2-related condition.
Dubin-Johnson syndrome (DJS). Also called: HYPERBILIRUBINEMIA, DUBIN-JOHNSON TYPE; Jaundice, Chronic Idiopathic; Hyperbilirubinemia type 2. Identifiers: Orphanet 234, MedGen C0022350, MONDO:0009380, OMIM 237500.

Allele frequency attached by ClinVar (database versions not stated): gnomAD exomes 0.00011 and 0.00034; ExAC 0.00045; 1000 Genomes Project 0.00060; 1000 Genomes Project 30x 0.00078; ESP Exome Variant Server 0.00138; gnomAD 0.00143 and 0.00158; TOPMed 0.00166.
gnomAD v4.1: 392 of 1,614,114 alleles (0.024%); highest among the groups gnomAD compares: African/African-American, 0.45%; no homozygotes.

Submissions (6):

Labcorp Genetics (formerly Invitae), Labcorp
Classification: Likely benign. Last evaluated: 2025-12-04. Review status: criteria provided, single submitter. Criteria: Invitae Variant Classification Sherloc (09022015). Collection method: clinical testing. Allele origin: germline.

Mayo Clinic Laboratories, Mayo Clinic
Classification: Likely benign. Last evaluated: 2025-08-12. Review status: criteria provided, single submitter. Criteria: ACMG Guidelines, 2015. Collection method: clinical testing. Allele origin: germline. Observed: 1 variant allele.
Comment: BS1, BP4_moderate

CeGaT Center for Human Genetics Tuebingen
Classification: Likely benign. Last evaluated: 2022-07-01. Review status: criteria provided, single submitter. Criteria: CeGaT Center For Human Genetics Tuebingen Variant Classification Criteria Version 2. Collection method: clinical testing. Allele origin: germline. Affected: yes. Observed: 3 variant alleles.
Comment: ABCC2: BP4

Illumina Laboratory Services, Illumina
Classification: Likely benign for Dubin-Johnson syndrome. Last evaluated: 2018-01-13. Review status: criteria provided, single submitter. Criteria: ICSL Variant Classification Criteria 13 December 2019. Collection method: clinical testing. Allele origin: germline.
Comment: This variant was observed in the ICSL laboratory as part of a predisposition screen in an ostensibly healthy population. It had not been previously curated by ICSL or reported in the Human Gene Mutation Database (HGMD: prior to June 1st, 2018), and was therefore a candidate for classification through an automated scoring system. Utilizing variant allele frequency, disease prevalence and penetrance estimates, and inheritance mode, an automated score was calculated to assess if this variant is too frequent to cause the disease. Based on the score and internal cut-off values, a variant classified as likely benign is not then subjected to further curation. The score for this variant resulted in a classification of likely benign for this disease.

Eurofins Ntd Llc (ga)
Classification: Likely benign. Last evaluated: 2015-08-13. Review status: criteria provided, single submitter. Criteria: EGL Classification Definitions 2015. Collection method: clinical testing. Allele origin: germline. Observed: 1 variant allele, 1 heterozygote.

PreventionGenetics, part of Exact Sciences
Classification: Likely benign for ABCC2-related condition. Last evaluated: 2021-03-29. Review status: no assertion criteria provided. Collection method: clinical testing. Allele origin: germline. Not counted in ClinVar's aggregate classification.
Comment: This variant is classified as likely benign based on ACMG/AMP sequence variant interpretation guidelines (Richards et al. 2015 PMID: 25741868, with internal and published modifications).